The following is an entry in ClinVar:

NM_004168.4(SDHA):c.1281C>T (p.Gly427=)

Gene: SDHA (succinate dehydrogenase complex flavoprotein subunit A; plus strand). Cytogenetic location: 5p15.33.
Variant type: single nucleotide variant.
Coding change: c.1281C>T on transcript NM_004168.4 (MANE Select); coding-DNA position 1281, C replaced by T.
Protein change: p.Gly427=; no amino-acid change (glycine 427 retained).
Molecular consequence: synonymous variant.
Genome position (GRCh38, 1-based): chr5:236,448, C>T. VCF-style: chr5-236448-C-T. GRCh37 (hg19) VCF-style: chr5-236563-C-T.
Other names: c.1137C>T, p.Gly379= (NM_001294332.2); c.1281C>T, p.Gly427= (NM_001330758.2).
Identifiers: ClinVar variation 480849 (VCV000480849.15), dbSNP rs561918468, ClinGen allele CA3173182.

ClinVar aggregate classification (germline): Benign/Likely benign. Review status: criteria provided, multiple submitters, no conflicts (2 of 4 stars). 3 submissions from 3 submitters: Benign (1); Likely benign (2). Last evaluated 2026-01-26.

Conditions:
Mitochondrial complex II deficiency, nuclear type 1. Also called: SUCCINATE CoQ REDUCTASE DEFICIENCY. Identifiers: Orphanet 3208, MedGen C5700310, MONDO:0100294, OMIM 252011.
Pheochromocytoma/paraganglioma syndrome 5. Also called: Paragangliomas 5; SDHA-Related Hereditary Paraganglioma-Pheochromocytoma Syndrome. Identifiers: Orphanet 29072, MedGen C3279992, MONDO:0013602, OMIM 614165.
Hereditary cancer-predisposing syndrome. Also called: Neoplastic Syndromes, Hereditary; Hereditary Cancer Syndrome; Hereditary neoplastic syndrome; Tumor predisposition. Identifiers: Orphanet 140162, MedGen C0027672, MeSH D009386, MONDO:0015356.

Allele frequency attached by ClinVar (database versions not stated): gnomAD exomes below 0.00001 and 0.00001; TOPMed below 0.00001; ExAC 0.00001; gnomAD 0.00001; 1000 Genomes Project 0.00020; 1000 Genomes Project 30x 0.00031.
gnomAD v4.1: 3 of 1,613,842 alleles (0.00019%); highest among the groups gnomAD compares: East Asian, 0.0067%; no homozygotes.

Submissions (3):

Labcorp Genetics (formerly Invitae), Labcorp
Classification: Likely benign for Pheochromocytoma/paraganglioma syndrome 5; Mitochondrial complex II deficiency, nuclear type 1. Last evaluated: 2026-01-26. Review status: criteria provided, single submitter. Criteria: Invitae Variant Classification Sherloc (09022015). Collection method: clinical testing. Allele origin: germline.

Myriad Genetics, Inc.
Classification: Benign for Pheochromocytoma/paraganglioma syndrome 5. Last evaluated: 2025-03-10. Review status: criteria provided, single submitter. Criteria: Myriad Autosomal Dominant, Autosomal Recessive and X-Linked Classification Criteria (2023). Collection method: clinical testing. Allele origin: unknown.
Comment: This variant is considered benign. This variant is a silent/synonymous amino acid change and it is not expected to impact splicing.

Ambry Genetics
Classification: Likely benign for Hereditary cancer-predisposing syndrome. Last evaluated: 2016-11-18. Review status: criteria provided, single submitter. Criteria: Ambry Variant Classification Scheme 2023. Collection method: clinical testing. Allele origin: germline.